The following is an entry in ClinVar:

NM_173086.5(KRT6C):c.459C>T (p.Asp153=)

Gene: KRT6C (keratin 6C; minus strand). Cytogenetic location: 12q13.13.
Variant type: single nucleotide variant.
Coding change: c.459C>T on transcript NM_173086.5 (MANE Select); coding-DNA position 459, C replaced by T.
Protein change: p.Asp153=; no amino-acid change (aspartic acid 153 retained).
Molecular consequence: synonymous variant.
Genome position (GRCh38, 1-based): chr12:52,473,279, G>A on the plus strand (C>T on the coding strand, the complement: KRT6C is on the minus strand). VCF-style: chr12-52473279-G-A. GRCh37 (hg19) VCF-style: chr12-52867063-G-A.
Identifiers: ClinVar variation 2643023 (VCV002643023.24), dbSNP rs527527882, ClinGen allele CA6581580.
Genomic context (GRCh38, chr12:52,473,279, plus strand): 5'-CTTGTTGTTGAGGGTCTTGATCTGCTCACGCTCCTCGGCCCGCACCCGCTGGATGGCGGG[G>A]TCAATTTGCAGGTTGAGGGGAGTCAGGAGACTCTGGTTGACGGTGACCTCTTGGATGCCT-3'
Protein context (NP_775109.2, residues 143-163): SLLTPLNLQI[Asp153=]PAIQRVRAEE

ClinVar aggregate classification (germline): Likely benign (1 of 4 stars; one submission).

Allele frequency attached by ClinVar (database versions not stated): gnomAD 0.00001; ExAC 0.00028; 1000 Genomes Project 0.00140.

Submission:

CeGaT Center for Human Genetics Tuebingen
Classification: Likely benign. Last evaluated: 2023-07-01. Review status: criteria provided, single submitter. Criteria: CeGaT Center For Human Genetics Tuebingen Variant Classification Criteria Version 2. Collection method: clinical testing. Allele origin: germline. Affected: yes. Observed: 1 variant allele.
Comment: KRT6C: BP4, BP7